The following is an entry in ClinVar:

ClinVar aggregate classification (germline): Pathogenic/Likely pathogenic. Review status: criteria provided, multiple submitters, no conflicts (2 of 4 stars). 16 submissions from 16 submitters: Pathogenic (3); Likely pathogenic (11). 2 of the submissions do not count toward it. Last evaluated 2026-09-01.

Conditions:
PYGM-related disorder. Also called: PYGM-related condition.
Glycogen storage disease, type V (GSD5). Also called: PYGM DEFICIENCY; McArdle type glycogen storage disease; MCARDLE DISEASE; MUSCLE GLYCOGEN PHOSPHORYLASE DEFICIENCY; MYOPHOSPHORYLASE DEFICIENCY. Identifiers: Orphanet 368, MedGen C0017924, MONDO:0009293, OMIM 232600.
McArdle disease, mild. Identifiers: MedGen C4017156.

Allele frequency attached by ClinVar (database versions not stated): gnomAD exomes 0.00006 and 0.00013; TOPMed 0.00010; ExAC 0.00003; gnomAD 0.00009.
gnomAD v4.1: 197 of 1,612,678 alleles (0.012%); highest among the groups gnomAD compares: Non-Finnish European, 0.016%; no homozygotes.

Submissions (16):

CeGaT Center for Human Genetics Tuebingen
Classification: Likely pathogenic. Last evaluated: 2026-09-01. Review status: criteria provided, single submitter. Criteria: CeGaT Center For Human Genetics Tuebingen Variant Classification Criteria Version 2. Collection method: clinical testing. Allele origin: germline. Affected: yes. Observed: 1 variant allele.
Comment: PYGM: PM3:Strong, PM2, PS3:Supporting

Labcorp Genetics (formerly Invitae), Labcorp
Classification: Pathogenic for Glycogen storage disease, type V. Last evaluated: 2026-01-17. Review status: criteria provided, single submitter. Criteria: Invitae Variant Classification Sherloc (09022015). Collection method: clinical testing. Allele origin: germline.
Comment: This sequence change falls in intron 3 of the PYGM gene. It does not directly change the encoded amino acid sequence of the PYGM protein. RNA analysis indicates that this variant induces altered splicing and may result in an absent or altered protein product. This variant is present in population databases (rs764313717, gnomAD 0.01%). This variant has been observed in individual(s) with glycogen storage disease (PMID: 19433441). In at least one individual the data is consistent with being in trans (on the opposite chromosome) from a pathogenic variant. ClinVar contains an entry for this variant (Variation ID: 2316). Studies have shown that this variant results in skipping of exon 4, and produces a non-functional protein and/or introduces a premature termination codon (PMID: 19433441). For these reasons, this variant has been classified as Pathogenic.

Greenwood Genetic Center Diagnostic Laboratories, Greenwood Genetic Center
Classification: Pathogenic for Glycogen storage disease, type V. Last evaluated: 2025-10-28. Review status: criteria provided, single submitter. Criteria: ACMG Guidelines, 2015. Collection method: clinical testing. Allele origin: germline. Affected: yes.
Comment: PS3, PM3_Strong

Mayo Clinic Laboratories, Mayo Clinic
Classification: Likely pathogenic. Last evaluated: 2025-10-15. Review status: criteria provided, single submitter. Criteria: ACMG Guidelines, 2015. Collection method: clinical testing. Allele origin: germline. Observed: 1 variant allele.
Comment: PM2_supporting, PM3_strong, PS3_supporting, PVS1_supporting

PreventionGenetics, part of Exact Sciences
Classification: Likely pathogenic for PYGM-related condition. Last evaluated: 2025-06-16. Review status: criteria provided, single submitter. Criteria: ACMG Guidelines, 2015. Collection method: clinical testing. Allele origin: germline.
Comment: The PYGM c.425-26A>G variant is predicted to interfere with splicing. Data from molecular analysis in some reports has shown that exon 4 was skipped in some of the PYGM transcripts, likely due to the c.425-26A>G variant (e.g. Vissing et al. 2009. PubMed ID: 19433441). Consistent with this result, available splicing prediction programs indicate that this variant disrupts the branch point sequence required for splicing (Alamut Visual v2.11). We have also observed this variant at PreventionGenetics in other patients, who were also heterozygous for a second pathogenic variant. This variant is reported in 0.012% of alleles in individuals of European (Non-Finnish) descent in gnomAD. This variant is interpreted as likely pathogenic.

Revvity Omics, Revvity
Classification: Likely pathogenic for Glycogen storage disease, type V. Last evaluated: 2025-05-11. Review status: criteria provided, single submitter. Criteria: ACMG Guidelines, 2015. Collection method: clinical testing. Allele origin: germline.

Natera, Inc.
Classification: Likely pathogenic for Glycogen storage disease V. Last evaluated: 2025-05-08. Review status: criteria provided, single submitter. Criteria: Natera Variant Classification Schema (03/2026). Collection method: clinical testing. Allele origin: germline.
Comment: The c.425-26A>G variant in PYGM is an intronic variant located outside the canonical splice sites. This variant is rare in the general population with a frequency below the threshold expected for the associated phenotype(s). This variant has been observed in one or more individuals affected with the associated recessive disease, as either homozygous or compound heterozygous with a second variant (PMID: 34534370, 19433441, 34215481). Functional studies show that this variant may disrupt protein function (PMID: 19433441, 34215481). Given the available evidence, this variant is classified as Likely Pathogenic.

Baylor Genetics
Classification: Likely pathogenic for Glycogen storage disease, type V. Last evaluated: 2024-03-23. Review status: criteria provided, single submitter. Criteria: ACMG Guidelines, 2015. Collection method: clinical testing. Allele origin: unknown.

Fulgent Genetics
Classification: Pathogenic for Glycogen storage disease, type V. Last evaluated: 2024-03-20. Review status: criteria provided, single submitter. Criteria: ACMG Guidelines, 2015. Collection method: clinical testing. Allele origin: germline.

Department of Pathology and Laboratory Medicine, Sinai Health System
Classification: Likely pathogenic for Glycogen storage disease, type V. Last evaluated: 2023-07-20. Review status: criteria provided, single submitter. Criteria: ACMG Guidelines, 2015. Collection method: research. Allele origin: germline.

Women's Health and Genetics/Laboratory Corporation of America, LabCorp
Classification: Likely pathogenic for Glycogen storage disease, type V. Last evaluated: 2022-04-25. Review status: criteria provided, single submitter. Criteria: LabCorp Variant Classification Summary - May 2015. Collection method: clinical testing. Allele origin: germline.
Comment: Variant summary: PYGM c.425-26A>G alters a non-conserved nucleotide located at a position not widely known to affect splicing. 4/4 computational tools predict no significant impact on normal splicing. However, at least one publication reports experimental evidence that this variant affects mRNA splicing resulting in skipping of exon 4 (Vissing_2009). The variant allele was found at a frequency of 5.6e-05 in 250854 control chromosomes. This frequency is not significantly higher than estimated for a pathogenic variant in PYGM causing Glycogen Storage Disease, Type V (5.6e-05 vs 0.0035), allowing no conclusion about variant significance. c.425-26A>G has been reported in the literature as a compound heterozygous genotype in individuals affected with Glycogen Storage Disease, Type V (example, Vissing_2009, Gandhi_2021, Pizzamiglio_2021). These data indicate that the variant may be associated with disease. Five clinical diagnostic laboratories have submitted clinical-significance assessments for this variant to ClinVar after 2014 without evidence for independent evaluation (Likely Pathogenic/Pathogenic, n=4; VUS, n=1). Based on the evidence outlined above, the variant was classified as likely pathogenic.

GeneDx
Classification: Likely pathogenic. Last evaluated: 2021-07-09. Review status: criteria provided, single submitter. Criteria: GeneDx Variant Classification Process June 2021. Collection method: clinical testing. Allele origin: germline. Affected: yes.
Comment: Canonical splice site variant predicted to result in the skipping of exon 4, however trace amounts of the aberrantly spliced product and residual PYGM activity suggest that the c.425-26A variant is "leaky", allowing some normal spliced product to be generated (Vissing et al., 2009); Not observed at a significant frequency in large population cohorts (Lek et al., 2016); This variant is associated with the following publications: (PMID: 34215481, 19433441, 32075227, 27535533, 25914343, 29754767)

Knight Diagnostic Laboratories, Oregon Health and Sciences University
Classification: Likely pathogenic for Glycogen storage disease, type V. Last evaluated: 2015-12-04. Review status: criteria provided, single submitter. Criteria: ACMG Guidelines, 2015. Collection method: clinical testing. Allele origin: germline. Affected: no. Study: CSER-NextGen.
Comment: The c.425-26A>G intron variant in the PYGM gene has been previously reported in one affected individual with autosomal recessive McArdle disease who harbored this variant in trans with a second common pathogenic missense variant (G205S). This variant has been shown to result in atypical mild phenotype (Vissing et al., 2009). Splicing studies show this c.425-26A>G variant causes exon skipping of exon 4 in the PYGM gene (Vissing et al., 2009). The c.425-26A>G variant is present at low frequencies (ExAC = 0.006%) or absent in the control population databases (Exome Sequencing Project [ESP] and 1000 Genomes). PYGM is the only gene in which mutations are known to cause McArdle disease. Therefore, this collective evidence supports the classification of the c.425-26A>G as a recessive likely pathogenic variant for McArdle disease.

Clinical Genetics Service, Universitary Hospital 12 de Octubre
Classification: Likely pathogenic for Glycogen storage disease, type V. Review status: criteria provided, single submitter. Criteria: ACMG Guidelines, 2015. Collection method: clinical testing. Allele origin: germline. Affected: yes.

Counsyl
Classification: Uncertain significance for Glycogen storage disease, type V. Last evaluated: 2017-07-07. Review status: no assertion criteria provided. Collection method: clinical testing. Allele origin: unknown. Not counted in ClinVar's aggregate classification.

OMIM
Classification: Pathogenic for MCARDLE DISEASE, MILD. Last evaluated: 2009-06-01. Review status: no assertion criteria provided. Collection method: literature only. Allele origin: germline. Not counted in ClinVar's aggregate classification.

Literature cited by the submitters: PubMed 19433441 (cited by 6 submitters); PubMed 32075227 (cited by Mayo Clinic Laboratories, Mayo Clinic and Women's Health and Genetics/Laboratory Corporation of America, LabCorp); PubMed 34215481 (cited by 3 submitters); PubMed 34534370 (cited by 3 submitters); PubMed 39979034 (cited by Mayo Clinic Laboratories, Mayo Clinic).

NM_005609.4(PYGM):c.425-26A>G

Gene: PYGM (glycogen phosphorylase, muscle associated; minus strand). Cytogenetic location: 11q13.1.
Variant type: single nucleotide variant.
Coding change: c.425-26A>G on transcript NM_005609.4 (MANE Select); 26 bases into the intron before coding-DNA position 425, A replaced by G.
Molecular consequence: intron variant.
Genome position (GRCh38, 1-based): chr11:64,758,375, T>C on the plus strand (A>G on the coding strand, the complement: PYGM is on the minus strand). VCF-style: chr11-64758375-T-C. GRCh37 (hg19) VCF-style: chr11-64525847-T-C.
Other names: p.?; IVS3AS, A-G, -26; c.244-109A>G (NM_001164716.1); c.425-26A>G (NM_005609.3).
Identifiers: ClinVar variation 2316 (VCV000002316.26), dbSNP rs764313717, ClinGen allele CA212798.